The following is an entry in ClinVar:

ClinVar aggregate classification (germline): Uncertain significance. Review status: criteria provided, multiple submitters, no conflicts (2 of 4 stars). 2 submissions from 2 submitters: Uncertain significance (2). Last evaluated 2022-08-22.

Conditions:
Inborn genetic diseases. Identifiers: MedGen C0950123, MeSH D030342.
Charcot-Marie-Tooth disease type 4. Also called: Charcot-Marie-Tooth, Type 4; Charcot-Marie-Tooth disease, type IV. Identifiers: Orphanet 64749, MedGen C4082197, MONDO:0018995.

Allele frequency attached by ClinVar (database versions not stated): gnomAD below 0.00001 and 0.00001; gnomAD exomes 0.00002 and 0.00004; ExAC 0.00005.
gnomAD v4.1: 37 of 1,613,966 alleles (0.0023%); highest among the groups gnomAD compares: South Asian, 0.037%; 1 homozygote.

Submissions (2):

Labcorp Genetics (formerly Invitae), Labcorp
Classification: Uncertain significance for Charcot-Marie-Tooth disease type 4. Last evaluated: 2022-08-22. Review status: criteria provided, single submitter. Criteria: Invitae Variant Classification Sherloc (09022015). Collection method: clinical testing. Allele origin: germline.
Comment: This sequence change replaces glutamine, which is neutral and polar, with arginine, which is basic and polar, at codon 864 of the FIG4 protein (p.Gln864Arg). This variant is present in population databases (rs539773516, gnomAD 0.03%). This variant has not been reported in the literature in individuals affected with FIG4-related conditions. ClinVar contains an entry for this variant (Variation ID: 953344). Algorithms developed to predict the effect of missense changes on protein structure and function (SIFT, PolyPhen-2, Align-GVGD) all suggest that this variant is likely to be tolerated. In summary, the available evidence is currently insufficient to determine the role of this variant in disease. Therefore, it has been classified as a Variant of Uncertain Significance.

Ambry Genetics
Classification: Uncertain significance for Inborn genetic diseases. Last evaluated: 2020-10-27. Review status: criteria provided, single submitter. Criteria: Ambry Variant Classification Scheme 2023. Collection method: clinical testing. Allele origin: germline.
Comment: The p.Q864R variant (also known as c.2591A>G), located in coding exon 23 of the FIG4 gene, results from an A to G substitution at nucleotide position 2591. The glutamine at codon 864 is replaced by arginine, an amino acid with highly similar properties. This amino acid position is not well conserved in available vertebrate species. In addition, this alteration is predicted to be tolerated by in silico analysis. Since supporting evidence is limited at this time, the clinical significance of this alteration remains unclear.

NM_014845.6(FIG4):c.2591A>G (p.Gln864Arg)

Gene: FIG4 (FIG4 phosphoinositide 5-phosphatase; plus strand). Cytogenetic location: 6q21.
Variant type: single nucleotide variant.
Coding change: c.2591A>G on transcript NM_014845.6 (MANE Select); coding-DNA position 2591, A replaced by G.
Protein change: p.Gln864Arg; replaces glutamine 864 with arginine.
Molecular consequence: missense variant.
Genome position (GRCh38, 1-based): chr6:109,825,132, A>G. VCF-style: chr6-109825132-A-G. GRCh37 (hg19) VCF-style: chr6-110146335-A-G.
Other names: short protein forms Q864R.
Identifiers: ClinVar variation 953344 (VCV000953344.8), dbSNP rs539773516, ClinGen allele CA3956460.